The following is an entry in ClinVar:

NM_201384.3(PLEC):c.9988C>G (p.Gln3330Glu)

Gene: PLEC (plectin; minus strand). Cytogenetic location: 8q24.3.
Variant type: single nucleotide variant.
Coding change: c.9988C>G on transcript NM_201384.3 (MANE Select); coding-DNA position 9988, C replaced by G.
Protein change: p.Gln3330Glu; replaces glutamine 3330 with glutamic acid.
Molecular consequence: missense variant.
Genome position (GRCh38, 1-based): chr8:143,919,833, G>C on the plus strand (C>G on the coding strand, the complement: PLEC is on the minus strand). VCF-style: chr8-143919833-G-C. GRCh37 (hg19) VCF-style: chr8-144994001-G-C.
Other names: c.10069C>G, p.Gln3357Glu (NM_000445.5); c.9946C>G, p.Gln3316Glu (NM_201378.4); c.9922C>G, p.Gln3308Glu (NM_201379.3); c.10399C>G, p.Gln3467Glu (NM_201380.4); c.9892C>G, p.Gln3298Glu (NM_201381.3); c.9988C>G, p.Gln3330Glu (NM_201382.4); c.10000C>G, p.Gln3334Glu (NM_201383.3); short protein forms Q3298E, Q3357E, Q3467E, Q3308E, Q3334E, Q3316E, Q3330E.
Identifiers: ClinVar variation 1039264 (VCV001039264.7), dbSNP rs781994805, ClinGen allele CA4924796.
Genomic context (GRCh38, chr8:143,919,833, plus strand): 5'-GCGTCCGCACGGAGCCCAGCTCCGAAAGGTCCTTGACCGTCGTCTTGCCGTCCTTGAGCT[G>C]CTCAAACTGGGCTCTGCTGAGGACCCCGGAAGCCAGGAGCTCGCTGGCTGGCACAGGGGC-3'
Protein context (NP_958786.1, residues 3320-3340): SGVLSRAQFE[Gln3330Glu]LKDGKTTVKD

ClinVar aggregate classification (germline): Uncertain significance (1 of 4 stars; one submission).

Conditions:
Epidermolysis bullosa simplex 5B, with muscular dystrophy (EBS5B). Also called: EPIDERMOLYSIS BULLOSA SIMPLEX AND LIMB-GIRDLE MUSCULAR DYSTROPHY; Epidermolysis bullosa simplex with muscular dystrophy. Identifiers: Orphanet 257, MedGen C2931072, MONDO:0009181, OMIM 226670.
Epidermolysis bullosa simplex 5C, with pyloric atresia (EBS5C). Also called: Epidermolysis bullosa simplex with pyloric atresia; PLEC-Related Epidermolysis Bullosa with Pyloric Atresia; PLEC1-Related Epidermolysis Bullosa with Pyloric Atresia. Identifiers: Orphanet 158684, MedGen C2677349, MONDO:0012807, OMIM 612138.
Autosomal recessive limb-girdle muscular dystrophy type 2Q (LGMDR17). Also called: MUSCULAR DYSTROPHY, LIMB-GIRDLE, AUTOSOMAL RECESSIVE 17. Identifiers: Orphanet 254361, MedGen C3150989, MONDO:0013390, OMIM 613723.
Epidermolysis bullosa simplex with nail dystrophy (EBS5D). Identifiers: MedGen C4225309, MONDO:0014661, OMIM 616487.
Epidermolysis bullosa simplex, Ogna type (EBS5A). Also called: Pidermolysis bullosa simplex 5A, Ogna type; EPIDERMOLYSIS BULLOSA SIMPLEX 5A, OGNA TYPE. Identifiers: Orphanet 79401, MedGen C0432317, MONDO:0007555, OMIM 131950.

Allele frequency attached by ClinVar (database versions not stated): gnomAD exomes below 0.00001; ExAC 0.00001; gnomAD 0.00001; TOPMed 0.00001.

Submission:

Labcorp Genetics (formerly Invitae), Labcorp
Classification: Uncertain significance for Autosomal recessive limb-girdle muscular dystrophy type 2Q; Epidermolysis bullosa simplex, Ogna type; Epidermolysis bullosa simplex with nail dystrophy; Epidermolysis bullosa simplex 5C, with pyloric atresia; Epidermolysis bullosa simplex 5B, with muscular dystrophy. Last evaluated: 2022-07-26. Review status: criteria provided, single submitter. Criteria: Invitae Variant Classification Sherloc (09022015). Collection method: clinical testing. Allele origin: germline.
Comment: In summary, the available evidence is currently insufficient to determine the role of this variant in disease. Therefore, it has been classified as a Variant of Uncertain Significance. Algorithms developed to predict the effect of missense changes on protein structure and function are either unavailable or do not agree on the potential impact of this missense change (SIFT: "Deleterious"; PolyPhen-2: "Possibly Damaging"; Align-GVGD: "Class C0"). ClinVar contains an entry for this variant (Variation ID: 1039264). This variant has not been reported in the literature in individuals affected with PLEC-related conditions. This variant is present in population databases (rs781994805, gnomAD 0.007%). This sequence change replaces glutamine, which is neutral and polar, with glutamic acid, which is acidic and polar, at codon 3357 of the PLEC protein (p.Gln3357Glu).